The following is an entry in ClinVar:

ClinVar aggregate classification (germline): Pathogenic (1 of 4 stars; one submission).

Conditions:
Myopathy, lactic acidosis, and sideroblastic anemia 1 (MLASA1). Identifiers: Orphanet 2598, MedGen C4551958, MONDO:0024553, OMIM 600462.

Submission:

Myriad Genetics, Inc.
Classification: Pathogenic for Myopathy, lactic acidosis, and sideroblastic anemia 1. Last evaluated: 2023-09-27. Review status: criteria provided, single submitter. Criteria: Myriad Autosomal Dominant, Autosomal Recessive and X-Linked Classification Criteria (2023). Collection method: clinical testing. Allele origin: unknown.
Comment: NM_025215.5(PUS1):c.138dupG(R47Efs*67) is expected to be pathogenic in the context of myopathy, lactic acidosis, and sideroblastic anemia 1. This variant is predicted to lead to an abnormal or absent protein product due to the creation of a premature termination codon in PUS1, a gene where loss-of-function variants are known to be pathogenic. Please note: this variant was assessed in the context of healthy population screening.

NM_025215.6(PUS1):c.138dup (p.Arg47fs)

Genes: PUS1 (pseudouridine synthase 1; plus strand), LOC130009240 (ATAC-STARR-seq lymphoblastoid silent region 5107; plus strand). Cytogenetic location: 12q24.33.
Variant type: Duplication.
Coding change: c.138dup on transcript NM_025215.6 (MANE Select); coding-DNA position 138, one base duplicated (G; older notation c.138dupG).
Protein change: p.Arg47fs; shifts the reading frame from arginine 47.
Molecular consequence: frameshift variant.
Genome position (GRCh38, 1-based): chr12:131,929,970, G duplicated; the last of 2 consecutive G bases (chr12:131,929,969-131,929,970); duplicating either gives the same sequence. VCF-style (leftmost placement, unchanged base first): chr12-131929968-C-CG. GRCh37 (hg19) VCF-style: chr12-132414513-C-CG.
Other names: c.54dup, p.Arg19fs (NM_001002019.3, NM_001002020.3); short protein forms R19fs, R47fs.
Identifiers: ClinVar variation 5012052 (VCV005012052.1).